The following is an entry in ClinVar:

NM_001375808.2(LPIN2):c.2537A>C (p.Asn846Thr)

Gene: LPIN2 (lipin 2; minus strand). Cytogenetic location: 18p11.31.
Variant type: single nucleotide variant.
Coding change: c.2537A>C on transcript NM_001375808.2 (MANE Select); coding-DNA position 2537, A replaced by C.
Protein change: p.Asn846Thr; replaces asparagine 846 with threonine.
Molecular consequence: missense variant.
Genome position (GRCh38, 1-based): chr18:2,920,787, T>G on the plus strand (A>C on the coding strand, the complement: LPIN2 is on the minus strand). VCF-style: chr18-2920787-T-G. GRCh37 (hg19) VCF-style: chr18-2920785-T-G.
Other names: c.2537A>C, p.Asn846Thr (NM_001375809.1, NM_014646.2); short protein forms N846T.
Identifiers: ClinVar variation 1016146 (VCV001016146.9), dbSNP rs1251007885, ClinGen allele CA401694027.
Genomic context (GRCh38, chr18:2,920,787, plus strand): 5'-ACTGTACCCCTGGCTGCAGGGCGCCGGGCTGAGAGCTGAGAATGTACTTACGATGACTTG[T>G]TTCCTTTGGTTCTTTCTTGTATTAATTCACCCTTGGGGTTCACGGTGAATATTCTACAGT-3'
Protein context (NP_001362737.1, residues 836-856): GELIQERTKG[Asn846Thr]KSSYHRLSEL

ClinVar aggregate classification (germline): Uncertain significance (1 of 4 stars; one submission).

Conditions:
Majeed syndrome (MJDS). Also called: CHRONIC RECURRENT MULTIFOCAL OSTEOMYELITIS 1, WITH CONGENITAL DYSERYTHROPOIETIC ANEMIA, WITH OR WITHOUT NEUTROPHILIC DERMATOSIS; LPIN2-Related Majeed Syndrome. Identifiers: Orphanet 77297, MedGen C1864997, MONDO:0012316, OMIM 609628.

Allele frequency attached by ClinVar (database versions not stated): gnomAD exomes below 0.00001; TOPMed below 0.00001.
gnomAD v4.1: 2 of 1,613,726 alleles (0.00012%); highest among the groups gnomAD compares: East Asian, 0.0045%; no homozygotes.

Submission:

Labcorp Genetics (formerly Invitae), Labcorp
Classification: Uncertain significance for Majeed syndrome. Last evaluated: 2020-07-23. Review status: criteria provided, single submitter. Criteria: Invitae Variant Classification Sherloc (09022015). Collection method: clinical testing. Allele origin: germline.
Comment: This sequence change replaces asparagine with threonine at codon 846 of the LPIN2 protein (p.Asn846Thr). The asparagine residue is moderately conserved and there is a small physicochemical difference between asparagine and threonine. This variant is not present in population databases (ExAC no frequency). This variant has not been reported in the literature in individuals with LPIN2-related conditions. Algorithms developed to predict the effect of missense changes on protein structure and function are either unavailable or do not agree on the potential impact of this missense change (SIFT: "Tolerated"; PolyPhen-2: "Probably Damaging"; Align-GVGD: "Class C0"). In summary, the available evidence is currently insufficient to determine the role of this variant in disease. Therefore, it has been classified as a Variant of Uncertain Significance.